The following is an entry in ClinVar:

NM_173354.5(SIK1):c.2104C>A (p.Leu702Ile)

Gene: SIK1 (salt inducible kinase 1; minus strand). Cytogenetic location: 21q22.3.
Variant type: single nucleotide variant.
Coding change: c.2104C>A on transcript NM_173354.5 (MANE Select); coding-DNA position 2104, C replaced by A.
Protein change: p.Leu702Ile; replaces leucine 702 with isoleucine.
Molecular consequence: missense variant.
Genome position (GRCh38, 1-based): chr21:43,416,990, G>T on the plus strand (C>A on the coding strand, the complement: SIK1 is on the minus strand). VCF-style: chr21-43416990-G-T. GRCh37 (hg19) VCF-style: chr21-44836870-G-T.
Other names: short protein forms L702I.
Identifiers: ClinVar variation 588437 (VCV000588437.6), dbSNP rs1204878132, ClinGen allele CA410606647.

ClinVar aggregate classification (germline): Uncertain significance. Review status: criteria provided, multiple submitters, no conflicts (2 of 4 stars). 2 submissions from 2 submitters: Uncertain significance (2). Last evaluated 2019-06-05.

Conditions:
Inborn genetic diseases. Identifiers: MedGen C0950123, MeSH D030342.

Allele frequency attached by ClinVar (database versions not stated): gnomAD exomes 0.00001.

Submissions (2):

Blueprint Genetics
Classification: Uncertain significance. Last evaluated: 2019-06-05. Review status: criteria provided, single submitter. Criteria: ACMG Guidelines, 2015. Collection method: clinical testing. Allele origin: germline.

Ambry Genetics
Classification: Uncertain significance for Inborn genetic diseases. Last evaluated: 2016-11-16. Review status: criteria provided, single submitter. Criteria: Ambry Variant Classification Scheme 2023. Collection method: clinical testing. Allele origin: germline.
Comment: The p.L702I variant (also known as c.2104C>A), located in coding exon 13 of the SIK1 gene, results from a C to A substitution at nucleotide position 2104. The leucine at codon 702 is replaced by isoleucine, an amino acid with highly similar properties. This variant was not reported in population based cohorts in the following databases: NHLBI Exome Sequencing Project (ESP), and 1000 Genomes Project. In the ESP, this variant was not observed in 5443 samples (10886 alleles) with coverage at this position. This amino acid position is poorly conserved in available vertebrate species. In addition, this alteration is predicted to be tolerated by in silico analysis. Since supporting evidence is limited at this time, the clinical significance of this alteration remains unclear.